The following is an entry in ClinVar:

NM_004360.5(CDH1):c.1561A>G (p.Ile521Val)

Gene: CDH1 (cadherin 1; plus strand). Cytogenetic location: 16q22.1.
Variant type: single nucleotide variant.
Coding change: c.1561A>G on transcript NM_004360.5 (MANE Select); coding-DNA position 1561, A replaced by G.
Protein change: p.Ile521Val; replaces isoleucine 521 with valine.
Molecular consequence: missense variant. On other transcripts: 5 prime UTR variant (1).
Genome position (GRCh38, 1-based): chr16:68,815,755, A>G. VCF-style: chr16-68815755-A-G. GRCh37 (hg19) VCF-style: chr16-68849658-A-G.
Other names: c.1378A>G, p.Ile460Val (NM_001317184.2); c.13A>G, p.Ile5Val (NM_001317185.2); c.-259A>G (NM_001317186.2); short protein forms I521V, I460V, I5V.
Identifiers: ClinVar variation 627909 (VCV000627909.12), dbSNP rs1567509105, ClinGen allele CA396463681.

ClinVar aggregate classification (germline): Uncertain significance. Review status: criteria provided, multiple submitters, no conflicts (2 of 4 stars). 2 submissions from 2 submitters: Uncertain significance (2). Last evaluated 2025-03-11.

Conditions:
Hereditary cancer-predisposing syndrome. Also called: Tumor predisposition; Neoplastic Syndromes, Hereditary; Hereditary Cancer Syndrome; Hereditary neoplastic syndrome. Identifiers: Orphanet 140162, MedGen C0027672, MeSH D009386, MONDO:0015356.
Hereditary diffuse gastric adenocarcinoma (HDGC). Also called: DIFFUSE GASTRIC AND LOBULAR BREAST CANCER SYNDROME. Identifiers: Orphanet 26106, MedGen C1708349, MONDO:0007648, OMIM 137215.

Submissions (2):

Labcorp Genetics (formerly Invitae), Labcorp
Classification: Uncertain significance for Hereditary diffuse gastric adenocarcinoma. Last evaluated: 2025-03-11. Review status: criteria provided, single submitter. Criteria: Invitae Variant Classification Sherloc (09022015). Collection method: clinical testing. Allele origin: germline.
Comment: This sequence change replaces isoleucine, which is neutral and non-polar, with valine, which is neutral and non-polar, at codon 521 of the CDH1 protein (p.Ile521Val). This variant is not present in population databases (gnomAD no frequency). This variant has not been reported in the literature in individuals affected with CDH1-related conditions. ClinVar contains an entry for this variant (Variation ID: 627909). An algorithm developed to predict the effect of missense changes on protein structure and function (PolyPhen-2) suggests that this variant is likely to be tolerated. In summary, the available evidence is currently insufficient to determine the role of this variant in disease. Therefore, it has been classified as a Variant of Uncertain Significance.

Color Diagnostics, LLC DBA Color Health
Classification: Uncertain significance for Hereditary cancer-predisposing syndrome. Last evaluated: 2023-12-05. Review status: criteria provided, single submitter. Criteria: ACMG Guidelines, 2015. Collection method: clinical testing. Allele origin: germline.
Comment: This missense variant replaces isoleucine with valine at codon 521 of the CDH1 protein. To our knowledge, functional studies have not been reported for this variant. This variant has not been reported in individuals affected with CDH1-related disorders in the literature. This variant has not been identified in the general population by the Genome Aggregation Database (gnomAD). The available evidence is insufficient to determine the role of this variant in disease conclusively. Therefore, this variant is classified as a Variant of Uncertain Significance.